The following is an entry in ClinVar:

NM_001370100.5(ZMYND11):c.883C>G (p.Pro295Ala)

Gene: ZMYND11 (zinc finger MYND-type containing 11; plus strand). Cytogenetic location: 10p15.3.
Variant type: single nucleotide variant.
Coding change: c.883C>G on transcript NM_001370100.5 (MANE Select); coding-DNA position 883, C replaced by G.
Protein change: p.Pro295Ala; replaces proline 295 with alanine.
Molecular consequence: missense variant. On other transcripts: non-coding transcript variant (1).
Genome position (GRCh38, 1-based): chr10:242,072, C>G. VCF-style: chr10-242072-C-G. GRCh37 (hg19) VCF-style: chr10-288012-C-G.
Other names: c.721C>G, p.Pro241Ala (NM_001202464.3, NM_001202467.1, NM_001370103.2 and 6 more transcripts); c.628C>G, p.Pro210Ala (NM_001202465.3, NM_001370110.2); c.718C>G, p.Pro240Ala (NM_001202466.3, NM_001370111.2); c.883C>G, p.Pro295Ala (NM_001202468.1, NM_001370097.3, NM_001370098.2 and 5 more transcripts); c.832C>G, p.Pro278Ala (NM_001330057.3, NM_001370112.2); c.790C>G, p.Pro264Ala (NM_001370113.2, NM_001370114.2); c.880C>G, p.Pro294Ala (NM_001370115.2, NM_212479.4); c.817C>G, p.Pro273Ala (NM_001370116.2); and 7 more; short protein forms P138A, P176A, P193A, P201A, P210A, P219A, P240A, P241A.
Identifiers: ClinVar variation 1312321 (VCV001312321.2), dbSNP rs868507152, ClinGen allele CA375816852.

ClinVar aggregate classification (germline): Uncertain significance (1 of 4 stars; one submission).

Submission:

GeneDx
Classification: Uncertain significance. Last evaluated: 2020-02-06. Review status: criteria provided, single submitter. Criteria: GeneDx Variant Classification Process June 2021. Collection method: clinical testing. Allele origin: germline. Affected: yes.
Comment: Not observed in large population cohorts (Lek et al., 2016); In silico analysis supports that this missense variant has a deleterious effect on protein structure/function; Has not been previously published as pathogenic or benign to our knowledge.